The following is an entry in ClinVar:

ClinVar aggregate classification (germline): Likely pathogenic. Review status: criteria provided, multiple submitters, no conflicts (2 of 4 stars). 2 submissions from 2 submitters: Likely pathogenic (2). Last evaluated 2024-01-08.

Conditions:
Developmental and epileptic encephalopathy, 11 (DEE11). Also called: Early infantile epileptic encephalopathy 11. Identifiers: Orphanet 1934, MedGen C3150987, MONDO:0013388, OMIM 613721.

Submissions (2):

3billion
Classification: Likely pathogenic for Developmental and epileptic encephalopathy, 11. Last evaluated: 2024-01-08. Review status: criteria provided, single submitter. Criteria: ACMG Guidelines, 2015. Collection method: clinical testing. Allele origin: germline. Affected: yes.
Comment: The variant is not observed in the gnomAD v2.1.1 dataset. Predicted Consequence/Location: Missense variant In silico tool predictions suggest damaging effect of the variant on gene or gene product [REVEL: 0.77 (>=0.6, sensitivity 0.68 and specificity 0.92); 3Cnet: 0.99 (>=0.6, sensitivity 0.72 and precision 0.9)]. Same nucleotide change resulting in same amino acid change has been previously reported as pathogenic/likely pathogenic with strong evidence (ClinVar ID: VCV001325039). A different missense change at the same codon (p.Met1770Val) has been reported to be associated with SCN2A-related disorder (PMID: 29455050). Therefore, this variant is classified as Likely pathogenic according to the recommendation of ACMG/AMP guideline.

Revvity Omics, Revvity
Classification: Likely pathogenic. Last evaluated: 2020-07-08. Review status: criteria provided, single submitter. Criteria: ACMG Guidelines, 2015. Collection method: clinical testing. Allele origin: germline.

Literature cited by the submitters: PubMed 29455050 (cited by 3billion).

NM_001040142.2(SCN2A):c.5308A>C (p.Met1770Leu)

Gene: SCN2A (sodium voltage-gated channel alpha subunit 2; plus strand). Cytogenetic location: 2q24.3.
Variant type: single nucleotide variant.
Coding change: c.5308A>C on transcript NM_001040142.2 (MANE Select); coding-DNA position 5308, A replaced by C.
Protein change: p.Met1770Leu; replaces methionine 1770 with leucine.
Molecular consequence: missense variant.
Genome position (GRCh38, 1-based): chr2:165,389,114, A>C. VCF-style: chr2-165389114-A-C. GRCh37 (hg19) VCF-style: chr2-166245624-A-C.
Other names: c.5308A>C, p.Met1770Leu (NM_001040143.2, NM_001371246.1, NM_001371247.1 and 1 more transcripts); short protein forms M1770L.
Identifiers: ClinVar variation 1325039 (VCV001325039.5), dbSNP rs1553463594, ClinGen allele CA349038676.
Genomic context (GRCh38, chr2:165,389,114, plus strand): 5'-TCTGTTGGGATTTTCTTTTTTGTCAGTTACATCATCATATCCTTCCTGGTTGTGGTGAAC[A>C]TGTACATCGCGGTCATCCTGGAGAACTTCAGTGTTGCTACTGAAGAAAGTGCAGAGCCTC-3'
Protein context (NP_001035232.1, residues 1760-1780): IIISFLVVVN[Met1770Leu]YIAVILENFS